The following is an entry in ClinVar:

NM_030665.4(RAI1):c.2380C>G (p.Gln794Glu)

Gene: RAI1 (retinoic acid induced 1; plus strand). Cytogenetic location: 17p11.2.
Variant type: single nucleotide variant.
Coding change: c.2380C>G on transcript NM_030665.4 (MANE Select); coding-DNA position 2380, C replaced by G.
Protein change: p.Gln794Glu; replaces glutamine 794 with glutamic acid.
Molecular consequence: missense variant.
Genome position (GRCh38, 1-based): chr17:17,795,328, C>G. VCF-style: chr17-17795328-C-G. GRCh37 (hg19) VCF-style: chr17-17698642-C-G.
Other names: short protein forms Q794E.
Identifiers: ClinVar variation 1722940 (VCV001722940.4), dbSNP rs2508581095, ClinGen allele CA398550826.

ClinVar aggregate classification (germline): Uncertain significance. Review status: criteria provided, multiple submitters, no conflicts (2 of 4 stars). 3 submissions from 3 submitters: Uncertain significance (3). Last evaluated 2025-07-24.

Conditions:
RAI1-related disorder. Also called: RAI1-related condition.

Submissions (3):

PreventionGenetics, part of Exact Sciences
Classification: Uncertain significance for RAI1-related condition. Last evaluated: 2025-07-24. Review status: criteria provided, single submitter. Criteria: ACMG Guidelines, 2015. Collection method: clinical testing. Allele origin: germline.
Comment: The RAI1 c.2380C>G variant is predicted to result in the amino acid substitution p.Gln794Glu. To our knowledge, this variant has not been reported in the literature or in a large population database (gnomAD), indicating this variant is rare. At this time, the clinical significance of this variant is uncertain due to the absence of conclusive functional and genetic evidence.

Labcorp Genetics (formerly Invitae), Labcorp
Classification: Uncertain significance. Last evaluated: 2025-02-13. Review status: criteria provided, single submitter. Criteria: Invitae Variant Classification Sherloc (09022015). Collection method: clinical testing. Allele origin: germline.
Comment: This sequence change replaces glutamine, which is neutral and polar, with glutamic acid, which is acidic and polar, at codon 794 of the RAI1 protein (p.Gln794Glu). This variant is not present in population databases (gnomAD no frequency). This variant has not been reported in the literature in individuals affected with RAI1-related conditions. ClinVar contains an entry for this variant (Variation ID: 1722940). Invitae Evidence Modeling of protein sequence and biophysical properties (such as structural, functional, and spatial information, amino acid conservation, physicochemical variation, residue mobility, and thermodynamic stability) indicates that this missense variant is not expected to disrupt RAI1 protein function with a negative predictive value of 80%. In summary, the available evidence is currently insufficient to determine the role of this variant in disease. Therefore, it has been classified as a Variant of Uncertain Significance.

GeneDx
Classification: Uncertain significance. Last evaluated: 2022-05-05. Review status: criteria provided, single submitter. Criteria: GeneDx Variant Classification Process June 2021. Collection method: clinical testing. Allele origin: germline. Affected: yes.
Comment: Not observed at significant frequency in large population cohorts (gnomAD); In silico analysis supports that this missense variant does not alter protein structure/function; Has not been previously published as pathogenic or benign to our knowledge